The following is an entry in ClinVar:

NM_000330.4(RS1):c.485A>T (p.Asn162Ile)

Genes: CDKL5 (cyclin dependent kinase like 5; plus strand), RS1 (retinoschisin 1; minus strand). Cytogenetic location: Xp22.13.
Variant type: single nucleotide variant.
Coding change: c.485A>T on transcript NM_000330.4 (MANE Select); coding-DNA position 485, A replaced by T.
Protein change: p.Asn162Ile; replaces asparagine 162 with isoleucine.
Molecular consequence: missense variant. On other transcripts: intron variant (2).
Genome position (GRCh38, 1-based): chrX:18,644,467, T>A on the plus strand (A>T on the coding strand, the complement: RS1 is on the minus strand). VCF-style: chrX-18644467-T-A. GRCh37 (hg19) VCF-style: chrX-18662587-T-A.
Other names: c.2714-1540T>A (NM_003159.3, NM_001037343.2); short protein forms N162I.
Identifiers: ClinVar variation 3772472 (VCV003772472.13).

ClinVar aggregate classification (germline): Likely pathogenic (1 of 4 stars; one submission).

Submission:

CeGaT Center for Human Genetics Tuebingen
Classification: Likely pathogenic. Last evaluated: 2025-02-01. Review status: criteria provided, single submitter. Criteria: CeGaT Center For Human Genetics Tuebingen Variant Classification Criteria Version 2. Collection method: clinical testing. Allele origin: germline. Affected: yes. Observed: 1 variant allele.
Comment: RS1: PM1, PM2, PP3, PP4